The following is an entry in ClinVar:

ClinVar aggregate classification (germline): Benign/Likely benign. Review status: criteria provided, multiple submitters, no conflicts (2 of 4 stars). 15 submissions from 15 submitters: Benign (3); Likely benign (9). 3 of the submissions do not count toward it. Last evaluated 2026-03-01.

Conditions:
Inborn genetic diseases. Identifiers: MedGen C0950123, MeSH D030342.
Hypogonadotropic hypogonadism 5 with or without anosmia (KAL5). Also called: CHD7-Related GnRH Deficiency (Kallmann Syndrome 5); HYPOGONADOTROPIC HYPOGONADISM 5 WITH ANOSMIA; HYPOGONADOTROPHIC HYPOGONADISM 5 WITHOUT ANOSMIA. Identifiers: Orphanet 478, MedGen C3552553, MONDO:0012880, OMIM 612370. Disease mechanism: loss of function.
CHARGE syndrome (CHARGE). Also called: CHARGE ASSOCIATION--COLOBOMA, HEART ANOMALY, CHOANAL ATRESIA, RETARDATION, GENITAL AND EAR ANOMALIES; Hittner Hirsch Kreh syndrome; Coloboma, heart anomaly, choanal atresia, retardation, genital and ear anomalies; CHARGE association; Hall-Hittner syndrome. Identifiers: Orphanet 138, MedGen C0265354, MONDO:0008965.

Allele frequency attached by ClinVar (database versions not stated): 1000 Genomes Project 30x 0.00047; gnomAD 0.00098 and 0.00100; gnomAD exomes 0.00116 and 0.00107; ExAC 0.00123; 1000 Genomes Project 0.00080; TOPMed 0.00083; ESP Exome Variant Server 0.00130.
gnomAD v4.1: 1,730 of 1,544,560 alleles (0.11%); highest among the groups gnomAD compares: Non-Finnish European, 0.14%; 3 homozygotes.

Submissions (15):

CeGaT Center for Human Genetics Tuebingen
Classification: Likely benign. Last evaluated: 2026-03-01. Review status: criteria provided, single submitter. Criteria: CeGaT Center For Human Genetics Tuebingen Variant Classification Criteria Version 2. Collection method: clinical testing. Allele origin: germline. Affected: yes. Observed: 12 variant alleles.
Comment: CHD7: BP4, BP7, BS1

Labcorp Genetics (formerly Invitae), Labcorp
Classification: Benign for CHARGE syndrome. Last evaluated: 2026-01-05. Review status: criteria provided, single submitter. Criteria: Invitae Variant Classification Sherloc (09022015). Collection method: clinical testing. Allele origin: germline.

Mayo Clinic Laboratories, Mayo Clinic
Classification: Likely benign. Last evaluated: 2025-02-18. Review status: criteria provided, single submitter. Criteria: ACMG Guidelines, 2015. Collection method: clinical testing. Allele origin: germline. Observed: 1 variant allele.
Comment: BS1, BP4, BP7

Blueprint Genetics
Classification: Likely benign. Last evaluated: 2024-10-22. Review status: criteria provided, single submitter. Criteria: ACMG Guidelines, 2015. Collection method: clinical testing. Allele origin: germline.

Women's Health and Genetics/Laboratory Corporation of America, LabCorp
Classification: Benign. Last evaluated: 2024-10-06. Review status: criteria provided, single submitter. Criteria: LabCorp Variant Classification Summary - May 2015. Collection method: clinical testing. Allele origin: germline.

Fulgent Genetics
Classification: Likely benign for CHD7-related CHARGE syndrome; Hypogonadotropic hypogonadism 5 with or without anosmia. Last evaluated: 2021-10-25. Review status: criteria provided, single submitter. Criteria: ACMG Guidelines, 2015. Collection method: clinical testing. Allele origin: unknown.

Illumina Laboratory Services, Illumina
Classification: Likely benign for Kallmann Syndrome 5. Last evaluated: 2018-01-13. Review status: criteria provided, single submitter. Criteria: ICSL Variant Classification Criteria 13 December 2019. Collection method: clinical testing. Allele origin: germline.
Comment: This variant was observed in the ICSL laboratory as part of a predisposition screen in an ostensibly healthy population. It had not been previously curated by ICSL or reported in the Human Gene Mutation Database (HGMD: prior to June 1st, 2018), and was therefore a candidate for classification through an automated scoring system. Utilizing variant allele frequency, disease prevalence and penetrance estimates, and inheritance mode, an automated score was calculated to assess if this variant is too frequent to cause the disease. Based on the score and internal cut-off values, a variant classified as likely benign is not then subjected to further curation. The score for this variant resulted in a classification of likely benign for this disease.

Laboratory for Molecular Medicine, Mass General Brigham Personalized Medicine
Classification: Likely benign. Last evaluated: 2017-08-23. Review status: criteria provided, single submitter. Criteria: LMM Criteria. Collection method: clinical testing. Allele origin: germline. Observed: 1 variant allele.
Comment: p.Gly2220Gly in exon 31 of CHD7: This variant is not expected to have clinical significance because it does not alter an amino acid residue and is not located within the splice consensus sequence. It has been identified in 0.20% (127/63678) of European chromosomes by the Exome Aggregation Consortium (ExAC; dbSNP rs34527521).

Ambry Genetics
Classification: Likely benign for Inborn genetic diseases. Last evaluated: 2016-05-23. Review status: criteria provided, single submitter. Criteria: Ambry Variant Classification Scheme 2023. Collection method: clinical testing. Allele origin: germline.

Eurofins Ntd Llc (ga)
Classification: Likely benign. Last evaluated: 2015-10-20. Review status: criteria provided, single submitter. Criteria: EGL Classification Definitions 2015. Collection method: clinical testing. Allele origin: germline. Observed: 2 variant alleles, 2 heterozygotes.

GeneDx
Classification: Benign. Last evaluated: 2015-03-03. Review status: criteria provided, single submitter. Criteria: GeneDx Variant Classification Process June 2021. Collection method: clinical testing. Allele origin: germline. Affected: yes.

PreventionGenetics, part of Exact Sciences
Classification: Likely benign. Review status: criteria provided, single submitter. Criteria: ACMG Guidelines, 2015. Collection method: clinical testing. Allele origin: germline.

Clinical Genetics DNA and cytogenetics Diagnostics Lab, Erasmus MC, Erasmus Medical Center
Classification: Likely benign. Review status: no assertion criteria provided. Collection method: clinical testing. Allele origin: germline. Affected: yes. Study: VKGL Data-share Consensus. Not counted in ClinVar's aggregate classification.

Clinical Genetics, Academic Medical Center
Classification: Benign. Review status: no assertion criteria provided. Collection method: clinical testing. Allele origin: germline. Affected: yes. Study: VKGL Data-share Consensus. Not counted in ClinVar's aggregate classification.

Joint Genome Diagnostic Labs from Nijmegen and Maastricht, Radboudumc and MUMC+
Classification: Likely benign. Review status: no assertion criteria provided. Collection method: clinical testing. Allele origin: germline. Affected: yes. Study: VKGL Data-share Consensus. Not counted in ClinVar's aggregate classification.

NM_017780.4(CHD7):c.6660T>G (p.Gly2220=)

Gene: CHD7 (chromodomain helicase DNA binding protein 7; plus strand). Cytogenetic location: 8q12.2.
Variant type: single nucleotide variant.
Coding change: c.6660T>G on transcript NM_017780.4 (MANE Select); coding-DNA position 6660, T replaced by G.
Protein change: p.Gly2220=; no amino-acid change (glycine 2220 retained).
Molecular consequence: synonymous variant. On other transcripts: intron variant (1).
Genome position (GRCh38, 1-based): chr8:60,853,385, T>G. VCF-style: chr8-60853385-T-G. GRCh37 (hg19) VCF-style: chr8-61765944-T-G.
Other names: p.Gly2220=; c.1717-8844T>G (NM_001316690.1).
Identifiers: ClinVar variation 95806 (VCV000095806.61), dbSNP rs34527521, ClinGen allele CA223318.